The following is an entry in ClinVar:

ClinVar aggregate classification (germline): Uncertain significance (1 of 4 stars; one submission).

Conditions:
D-2-hydroxyglutaric aciduria 2 (D2HGA2). Identifiers: Orphanet 79315, MedGen C3150909, MONDO:0013345, OMIM 613657.

gnomAD v4.1: 6 of 1,612,916 alleles (0.00037%); highest among the groups gnomAD compares: South Asian, 0.0044%; no homozygotes.

Submission:

Labcorp Genetics (formerly Invitae), Labcorp
Classification: Uncertain significance for D-2-hydroxyglutaric aciduria 2. Last evaluated: 2021-11-11. Review status: criteria provided, single submitter. Criteria: Invitae Variant Classification Sherloc (09022015). Collection method: clinical testing. Allele origin: germline.
Comment: This variant has not been reported in the literature in individuals affected with IDH2-related conditions. This variant is present in population databases (no rsID available, gnomAD 0.01%). This sequence change falls in intron 5 of the IDH2 gene. It does not directly change the encoded amino acid sequence of the IDH2 protein. Algorithms developed to predict the effect of sequence changes on RNA splicing suggest that this variant may disrupt the consensus splice site. In summary, the available evidence is currently insufficient to determine the role of this variant in disease. Therefore, it has been classified as a Variant of Uncertain Significance.

NM_002168.4(IDH2):c.679-7C>A

Gene: IDH2 (isocitrate dehydrogenase (NADP(+)) 2; minus strand). Cytogenetic location: 15q26.1.
Variant type: single nucleotide variant.
Coding change: c.679-7C>A on transcript NM_002168.4 (MANE Select); 7 bases into the intron before coding-DNA position 679, C replaced by A.
Molecular consequence: intron variant.
Genome position (GRCh38, 1-based): chr15:90,087,582, G>T on the plus strand (C>A on the coding strand, the complement: IDH2 is on the minus strand). VCF-style: chr15-90087582-G-T. GRCh37 (hg19) VCF-style: chr15-90630814-G-T.
Other names: c.289-7C>A (NM_001290114.2); c.523-7C>A (NM_001289910.1).
Identifiers: ClinVar variation 1392576 (VCV001392576.6), dbSNP rs752232116, ClinGen allele CA619859366.